The following is an entry in ClinVar:

NM_000169.3(GLA):c.479C>A (p.Ala160Asp)

Genes: GLA (galactosidase alpha; minus strand), RPL36A-HNRNPH2 (RPL36A-HNRNPH2 readthrough; plus strand). Cytogenetic location: Xq22.1.
Variant type: single nucleotide variant.
Coding change: c.479C>A on transcript NM_000169.3 (MANE Select); coding-DNA position 479, C replaced by A.
Protein change: p.Ala160Asp; replaces alanine 160 with aspartic acid.
Molecular consequence: missense variant. On other transcripts: non-coding transcript variant (3), intron variant (2).
Genome position (GRCh38, 1-based): chrX:101,401,700, G>T on the plus strand (C>A on the coding strand, the complement: GLA is on the minus strand). VCF-style: chrX-101401700-G-T. GRCh37 (hg19) VCF-style: chrX-100656688-G-T.
Other names: c.602C>A, p.Ala201Asp (NM_001406747.1, NM_001406749.1); c.479C>A, p.Ala160Asp (NM_001406748.1); c.300+6243G>T (NM_001199973.2); c.177+9878G>T (NM_001199974.2); short protein forms A160D, A201D.
Identifiers: ClinVar variation 4087382 (VCV004087382.2).

ClinVar aggregate classification (germline): Likely pathogenic (1 of 4 stars; one submission).

Conditions:
Fabry disease. Also called: ALPHA-GALACTOSIDASE A DEFICIENCY; ANDERSON-FABRY DISEASE; CERAMIDE TRIHEXOSIDASE DEFICIENCY; GLA DEFICIENCY; HEREDITARY DYSTOPIC LIPIDOSIS; Angiokeratoma corporis diffusum. Identifiers: Orphanet 324, MedGen C0002986, MONDO:0010526, OMIM 301500, HP:0001071. Disease mechanism: Fabry disease is due to inactivating mutations in the X-linked GLA gene resulting in deficiency of the enzyme Alpha Galactosidase-A., loss of function.

Submission:

Genomenon, Inc
Classification: Likely pathogenic for Fabry disease. Last evaluated: 2026-09-08. Review status: criteria provided, single submitter. Criteria: Genomenon Sequence Variant Interpretation Standards - Updated. Collection method: curation. Allele origin: germline. Affected: yes.
Comment: GLA p.Ala160Asp (c.479C>A) is a missense variant that changes the amino acid at codon 160 from Alanine to Aspartic acid. This variant has been observed in at least one proband with clinical features consistent with Fabry disease (PMID:39348817;27560961). The variant was found to segregate with disease in at least one affected family (PMID:39348817). Functional or patient cell studies have been reported (PMID:27560961). It is absent or not present at a significant frequency in gnomAD. In silico models predict that this variant is possibly or probably damaging. In conclusion, we classify GLA p.Ala160Asp (c.479C>A) as a likely pathogenic variant.

Literature cited by the submitters: PubMed 39348817; PubMed 27560961.